The following is an entry in ClinVar:

ClinVar aggregate classification (germline): Benign/Likely benign. Review status: criteria provided, multiple submitters, no conflicts (2 of 4 stars). 10 submissions from 10 submitters: Benign (6); Likely benign (4). Last evaluated 2026-02-01.

Conditions:
LAMA2-related muscular dystrophy (LAMA2-RD). Also called: Laminin alpha 2-related dystrophy. Identifiers: MedGen C5679788, MONDO:0100228.
Congenital muscular dystrophy due to partial LAMA2 deficiency. Identifiers: MedGen C1842898.

Allele frequency attached by ClinVar (database versions not stated): 1000 Genomes Project 30x 0.00250; 1000 Genomes Project 0.00260; ESP Exome Variant Server 0.00300; gnomAD 0.00306; TOPMed 0.00342.
gnomAD v4.1: 1,099 of 1,613,884 alleles (0.068%); highest among the groups gnomAD compares: African/African-American, 1.1%; 4 homozygotes.

Submissions (10):

CeGaT Center for Human Genetics Tuebingen
Classification: Likely benign. Last evaluated: 2026-02-01. Review status: criteria provided, single submitter. Criteria: CeGaT Center For Human Genetics Tuebingen Variant Classification Criteria Version 2. Collection method: clinical testing. Allele origin: germline. Affected: yes. Observed: 7 variant alleles.
Comment: LAMA2: BP4, BP7, BS1

Labcorp Genetics (formerly Invitae), Labcorp
Classification: Benign for LAMA2-related muscular dystrophy. Last evaluated: 2026-02-01. Review status: criteria provided, single submitter. Criteria: Invitae Variant Classification Sherloc (09022015). Collection method: clinical testing. Allele origin: germline.

Blueprint Genetics
Classification: Likely benign. Last evaluated: 2024-11-01. Review status: criteria provided, single submitter. Criteria: ACMG Guidelines, 2015. Collection method: clinical testing. Allele origin: germline.

Mayo Clinic Laboratories, Mayo Clinic
Classification: Benign. Last evaluated: 2024-06-25. Review status: criteria provided, single submitter. Criteria: ACMG Guidelines, 2015. Collection method: clinical testing. Allele origin: germline. Observed: 7 variant alleles.
Comment: BS1, BS2, BP4, BP7

GeneDx
Classification: Benign. Last evaluated: 2019-12-26. Review status: criteria provided, single submitter. Criteria: GeneDx Variant Classification Process June 2021. Collection method: clinical testing. Allele origin: germline. Affected: yes.

Athena Diagnostics
Classification: Benign. Last evaluated: 2018-10-16. Review status: criteria provided, single submitter. Criteria: Athena Diagnostics Criteria. Collection method: clinical testing. Allele origin: germline.

Illumina Laboratory Services, Illumina
Classification: Likely benign for Congenital muscular dystrophy due to partial LAMA2 deficiency. Last evaluated: 2018-01-13. Review status: criteria provided, single submitter. Criteria: ICSL Variant Classification Criteria 13 December 2019. Collection method: clinical testing. Allele origin: germline.
Comment: This variant was observed in the ICSL laboratory as part of a predisposition screen in an ostensibly healthy population. It had not been previously curated by ICSL or reported in the Human Gene Mutation Database (HGMD: prior to June 1st, 2018), and was therefore a candidate for classification through an automated scoring system. Utilizing variant allele frequency, disease prevalence and penetrance estimates, and inheritance mode, an automated score was calculated to assess if this variant is too frequent to cause the disease. Based on the score and internal cut-off values, a variant classified as likely benign is not then subjected to further curation. The score for this variant resulted in a classification of likely benign for this disease.

Genetic Services Laboratory, University of Chicago
Classification: Likely benign. Last evaluated: 2016-09-02. Review status: criteria provided, single submitter. Criteria: ACMG Guidelines, 2015. Collection method: clinical testing. Allele origin: germline. Affected: no.

PreventionGenetics, part of Exact Sciences
Classification: Benign. Last evaluated: 2016-04-01. Review status: criteria provided, single submitter. Criteria: ACMG Guidelines, 2015. Collection method: clinical testing. Allele origin: germline.

Eurofins Ntd Llc (ga)
Classification: Benign. Last evaluated: 2016-02-18. Review status: criteria provided, single submitter. Criteria: EGL Classification Definitions 2015. Collection method: clinical testing. Allele origin: germline. Observed: 1 variant allele, 1 heterozygote.

NM_000426.4(LAMA2):c.4935C>A (p.Thr1645=)

Gene: LAMA2 (laminin subunit alpha 2; plus strand). Cytogenetic location: 6q22.33.
Variant type: single nucleotide variant.
Coding change: c.4935C>A on transcript NM_000426.4 (MANE Select); coding-DNA position 4935, C replaced by A.
Protein change: p.Thr1645=; no amino-acid change (threonine 1645 retained).
Molecular consequence: synonymous variant.
Genome position (GRCh38, 1-based): chr6:129,369,966, C>A. VCF-style: chr6-129369966-C-A. GRCh37 (hg19) VCF-style: chr6-129691111-C-A.
Other names: p.Thr1645=; c.4935C>A, p.Thr1645= (NM_001079823.2).
Identifiers: ClinVar variation 256072 (VCV000256072.53), dbSNP rs35579821, ClinGen allele CA3993720.